The following is an entry in ClinVar:

ClinVar aggregate classification (germline): Conflicting classifications of pathogenicity. Review status: criteria provided, conflicting classifications (1 of 4 stars). 6 submissions from 6 submitters: Uncertain significance (1); Benign (1); Likely benign (2). 2 of the submissions do not count toward it. Last evaluated 2026-01-18.

Conditions:
Kabuki syndrome 1 (KABUK1). Also called: KMT2D-Related Kabuki Syndrome. Identifiers: Orphanet 2322, MedGen CN030661, MONDO:0007843, OMIM 147920.
Choanal atresia-athelia-hypothyroidism-delayed puberty-short stature syndrome (BCAHH). Also called: BRANCHIAL ARCH ABNORMALITIES, CHOANAL ATRESIA, ATHELIA, HEARING LOSS, AND HYPOTHYROIDISM SYNDROME. Identifiers: Orphanet 589856, MedGen C5680310, MONDO:0035651, OMIM 620186.
KMT2D-related disorder. Also called: KMT2D-Related Disorders.
Kabuki syndrome. Also called: NIIKAWA-KUROKI SYNDROME; Kabuki make-up syndrome. Identifiers: Orphanet 2322, MedGen C0796004, MONDO:0016512.

Allele frequency attached by ClinVar (database versions not stated): TOPMed 0.00012; 1000 Genomes Project 30x 0.00016; ExAC 0.00004; gnomAD exomes 0.00004 and 0.00011; ESP Exome Variant Server 0.00016; 1000 Genomes Project 0.00020.
gnomAD v4.1: 181 of 1,613,946 alleles (0.011%); highest among the groups gnomAD compares: Middle Eastern, 0.017%; no homozygotes.

Submissions (6):

Labcorp Genetics (formerly Invitae), Labcorp
Classification: Benign for Kabuki syndrome. Last evaluated: 2026-01-18. Review status: criteria provided, single submitter. Criteria: Invitae Variant Classification Sherloc (09022015). Collection method: clinical testing. Allele origin: germline.

CeGaT Center for Human Genetics Tuebingen
Classification: Likely benign. Last evaluated: 2025-11-01. Review status: criteria provided, single submitter. Criteria: CeGaT Center For Human Genetics Tuebingen Variant Classification Criteria Version 2. Collection method: clinical testing. Allele origin: germline. Affected: yes. Observed: 1 variant allele.
Comment: KMT2D: BS1

PreventionGenetics, part of Exact Sciences
Classification: Likely benign for KMT2D-related condition. Last evaluated: 2024-12-18. Review status: criteria provided, single submitter. Criteria: ACMG Guidelines, 2015. Collection method: clinical testing. Allele origin: germline.
Comment: This variant is classified as likely benign based on ACMG/AMP sequence variant interpretation guidelines (Richards et al. 2015 PMID: 25741868, with internal and published modifications).

Fulgent Genetics
Classification: Uncertain significance for Kabuki syndrome 1; Choanal atresia-athelia-hypothyroidism-delayed puberty-short stature syndrome. Last evaluated: 2024-05-31. Review status: criteria provided, single submitter. Criteria: ACMG Guidelines, 2015. Collection method: clinical testing. Allele origin: germline.

Clinical Genetics DNA and cytogenetics Diagnostics Lab, Erasmus MC, Erasmus Medical Center
Classification: Likely benign. Review status: no assertion criteria provided. Collection method: clinical testing. Allele origin: germline. Affected: yes. Study: VKGL Data-share Consensus. Not counted in ClinVar's aggregate classification.

Diagnostic Laboratory, Department of Genetics, University Medical Center Groningen
Classification: Likely benign. Review status: no assertion criteria provided. Collection method: clinical testing. Allele origin: germline. Affected: yes. Study: VKGL Data-share Consensus. Not counted in ClinVar's aggregate classification.

NM_003482.4(KMT2D):c.14473C>T (p.Arg4825Trp)

Gene: KMT2D (lysine methyltransferase 2D; minus strand). Cytogenetic location: 12q13.12.
Variant type: single nucleotide variant.
Coding change: c.14473C>T on transcript NM_003482.4 (MANE Select); coding-DNA position 14473, C replaced by T.
Protein change: p.Arg4825Trp; replaces arginine 4825 with tryptophan.
Molecular consequence: missense variant.
Genome position (GRCh38, 1-based): chr12:49,028,051, G>A on the plus strand (C>T on the coding strand, the complement: KMT2D is on the minus strand). VCF-style: chr12-49028051-G-A. GRCh37 (hg19) VCF-style: chr12-49421834-G-A.
Other names: c.14473C>T (NM_003482.3); short protein forms R4825W.
Identifiers: ClinVar variation 1299274 (VCV001299274.15), dbSNP rs117904191, ClinGen allele CA6545736.
Genomic context (GRCh38, chr12:49,028,051, plus strand): 5'-CTTCCCTGCCACACTCACCAGGACCCTCAGCTTCCCCCTTCTTTGGCTCAGTGCCTGCCC[G>A]GGCGGGGCTCTCTGGGAACAGCACCTCATAGGAGTTGGGGATCTTCATGCTCAGCAGCTC-3'
Protein context (NP_003473.3, residues 4815-4835): YEVLFPESPA[Arg4825Trp]AGTEPKKGEA